The following is an entry in ClinVar:

ClinVar aggregate classification (germline): Uncertain significance (1 of 4 stars; one submission).

Conditions:
Glycogen storage disease type X (GSD10). Also called: Dimauro disease; GSD X; MYOPATHY DUE TO PHOSPHOGLYCERATE MUTASE DEFICIENCY; PGAMM DEFICIENCY; PHOSPHOGLYCERATE MUTASE, MUSCLE, DEFICIENCY OF; Glycogen storage disease due to phosphoglycerate mutase deficiency. Identifiers: Orphanet 97234, MedGen C0268149, MONDO:0009865, OMIM 261670.

Submission:

Labcorp Genetics (formerly Invitae), Labcorp
Classification: Uncertain significance for Glycogen storage disease type X. Last evaluated: 2022-06-25. Review status: criteria provided, single submitter. Criteria: Invitae Variant Classification Sherloc (09022015). Collection method: clinical testing. Allele origin: germline.
Comment: This sequence change replaces serine, which is neutral and polar, with arginine, which is basic and polar, at codon 31 of the PGAM2 protein (p.Ser31Arg). This variant is not present in population databases (gnomAD no frequency). This variant has not been reported in the literature in individuals affected with PGAM2-related conditions. Algorithms developed to predict the effect of missense changes on protein structure and function (SIFT, PolyPhen-2, Align-GVGD) all suggest that this variant is likely to be disruptive. In summary, the available evidence is currently insufficient to determine the role of this variant in disease. Therefore, it has been classified as a Variant of Uncertain Significance.

NM_000290.4(PGAM2):c.93T>G (p.Ser31Arg)

Genes: DBNL (drebrin like; plus strand), PGAM2 (phosphoglycerate mutase 2; minus strand). Cytogenetic location: 7p13.
Variant type: single nucleotide variant.
Coding change: c.93T>G on transcript NM_000290.4 (MANE Select); coding-DNA position 93, T replaced by G.
Protein change: p.Ser31Arg; replaces serine 31 with arginine.
Molecular consequence: missense variant. On other transcripts: 3 prime UTR variant (6).
Genome position (GRCh38, 1-based): chr7:44,065,437, A>C on the plus strand (T>G on the coding strand, the complement: PGAM2 is on the minus strand). VCF-style: chr7-44065437-A-C. GRCh37 (hg19) VCF-style: chr7-44105036-A-C.
Other names: c.*4521A>C (NM_001014436.3, NM_001122956.2, NM_001284313.2 and 3 more transcripts); short protein forms S31R.
Identifiers: ClinVar variation 2010719 (VCV002010719.4), dbSNP rs2128796719, ClinGen allele CA367370249.